The following is an entry in ClinVar:

NM_001130144.3(LTBP3):c.1136G>A (p.Cys379Tyr)

Gene: LTBP3 (latent transforming growth factor beta binding protein 3; minus strand). Cytogenetic location: 11q13.1.
Variant type: single nucleotide variant.
Coding change: c.1136G>A on transcript NM_001130144.3 (MANE Select); coding-DNA position 1136, G replaced by A.
Protein change: p.Cys379Tyr; replaces cysteine 379 with tyrosine.
Molecular consequence: missense variant.
Genome position (GRCh38, 1-based): chr11:65,552,910, C>T on the plus strand (G>A on the coding strand, the complement: LTBP3 is on the minus strand). VCF-style: chr11-65552910-C-T. GRCh37 (hg19) VCF-style: chr11-65320381-C-T.
Other names: c.785G>A, p.Cys262Tyr (NM_001164266.1); c.1136G>A, p.Cys379Tyr (NM_021070.4); short protein forms C262Y, C379Y.
Identifiers: ClinVar variation 4527458 (VCV004527458.1).
Genomic context (GRCh38, chr11:65,552,910, plus strand): 5'-CAGGTCTCACCAATGCACTGTGTACGGGAGGGGCCTAAACTATGGCCAGGTGGGCAGACA[C>T]AGCGATAGGAGCCAGGGTTGTTGAGGCAGTCACCATGGCGACACACGCCCGGCATTGCGC-3'
Protein context (NP_001123616.1, residues 369-389): DCLNNPGSYR[Cys379Tyr]VCPPGHSLGP

ClinVar aggregate classification (germline): Uncertain significance (1 of 4 stars; one submission).

Submission:

GeneDx
Classification: Uncertain significance. Last evaluated: 2025-04-22. Review status: criteria provided, single submitter. Criteria: GeneDx Variant Classification Process June 2021. Collection method: clinical testing. Allele origin: germline. Affected: yes.
Comment: Not observed at significant frequency in large population cohorts (gnomAD); In silico analysis supports that this missense variant has a deleterious effect on protein structure/function; Has not been previously published as pathogenic or benign to our knowledge